The following is an entry in ClinVar:

ClinVar aggregate classification (germline): Likely benign. Review status: reviewed by expert panel (3 of 4 stars). 2 submissions from 2 submitters: Likely benign (1). 1 of the submissions does not count toward it. Last evaluated 2026-11-20.

Conditions:
RPGR-related retinopathy. Also called: RPGR retinopathy. Identifiers: MedGen CN305589, MONDO:0100437.

Submissions (2):

ClinGen X-linked Inherited Retinal Disease Variant Curation Expert Panel, ClinGen
Classification: Likely benign for RPGR-related retinopathy. Last evaluated: 2026-11-20. Review status: reviewed by expert panel. Criteria: ClinGen X LinkedIRD ACMG Specifications RPGR V1.0.0. Collection method: curation. Allele origin: germline. Inheritance: X-linked inheritance.
Comment: NM_001034853.2(RPGR):c.588T>G is a silent variant at codon 196 that does not have an impact at splicing sites according to Splice AI, which predicts a delta score of 0.07 for all splicing types, which is below the ClinGen X-linked IRD VCEP recommended threshold of <0.1 and does not strongly predict an impact on splicing (BP7, BP4). This variant is absent from hemizygous individuals in gnomAD v4.1.2 (PM2_Supporting). In summary, this variant is classified as likely benign for RPGR-related retinopathy based on the ACMG/AMP criteria applied, as specified by the ClinGen X-linked IRD VCEP: BP4, BP7, and PM2_Supporting.

CeGaT Center for Human Genetics Tuebingen
Classification: Likely benign. Last evaluated: 2023-04-01. Review status: criteria provided, single submitter. Criteria: CeGaT Center For Human Genetics Tuebingen Variant Classification Criteria Version 2. Collection method: clinical testing. Allele origin: germline. Affected: yes. Observed: 1 variant allele. Not counted in ClinVar's aggregate classification.
Comment: RPGR: PM2:Supporting, BP4, BP7

NM_001034853.2(RPGR):c.588T>G (p.Ser196=)

Gene: RPGR (retinitis pigmentosa GTPase regulator; minus strand). Cytogenetic location: Xp11.4.
Variant type: single nucleotide variant.
Coding change: c.588T>G on transcript NM_001034853.2 (MANE Select); coding-DNA position 588, T replaced by G.
Protein change: p.Ser196=; no amino-acid change (serine 196 retained).
Molecular consequence: synonymous variant. On other transcripts: non-coding transcript variant (5).
Genome position (GRCh38, 1-based): chrX:38,317,347, A>C on the plus strand (T>G on the coding strand, the complement: RPGR is on the minus strand). VCF-style: chrX-38317347-A-C. GRCh37 (hg19) VCF-style: chrX-38176600-A-C.
Other names: NM_001034853.2(RPGR):c.588T>G; p.Ser196=; c.588T>G, p.Ser196= (NM_000328.3, NM_001367245.1, NM_001367246.1 and 3 more transcripts); c.618T>G, p.Ser206= (NM_001367248.1); c.585T>G, p.Ser195= (NM_001367249.1).
Identifiers: ClinVar variation 2571362 (VCV002571362.28), dbSNP rs2519888760, ClinGen allele CA515651604.